The following is an entry in ClinVar:

NM_178857.6(RP1L1):c.6C>G (p.Asn2Lys)

Gene: RP1L1 (RP1 like 1). Cytogenetic location: 8p23.1.
Variant type: single nucleotide variant.
Coding change: c.6C>G on transcript NM_178857.6 (MANE Select); coding-DNA position 6, C replaced by G.
Protein change: p.Asn2Lys; replaces asparagine 2 with lysine.
Molecular consequence: missense variant.
Genome position (GRCh38, 1-based): chr8:10,623,196, G>C on the plus strand (C>G on the coding strand, the complement: RP1L1 is on the minus strand). VCF-style: chr8-10623196-G-C. GRCh37 (hg19) VCF-style: chr8-10480706-G-C.
Other names: short protein forms N2K.
Identifiers: ClinVar variation 4874681 (VCV004874681.2).

ClinVar aggregate classification (germline): Uncertain significance (1 of 4 stars; one submission).

gnomAD v4.1: 1 of 1,557,796 alleles (0.000064%); highest among the groups gnomAD compares: Non-Finnish European, 0.000087%; no homozygotes.

Submission:

CeGaT Center for Human Genetics Tuebingen
Classification: Uncertain significance. Last evaluated: 2026-04-01. Review status: criteria provided, single submitter. Criteria: CeGaT Center For Human Genetics Tuebingen Variant Classification Criteria Version 2. Collection method: clinical testing. Allele origin: germline. Affected: yes. Observed: 1 variant allele.
Comment: RP1L1: PM2